The following is an entry in ClinVar:

NM_002460.4(IRF4):c.1127G>A (p.Arg376His)

Genes: IRF4 (interferon regulatory factor 4; plus strand), LOC129995575 (ATAC-STARR-seq lymphoblastoid active region 23845; plus strand). Cytogenetic location: 6p25.3.
Variant type: single nucleotide variant.
Coding change: c.1127G>A on transcript NM_002460.4 (MANE Select); coding-DNA position 1127, G replaced by A.
Protein change: p.Arg376His; replaces arginine 376 with histidine.
Molecular consequence: missense variant. On other transcripts: non-coding transcript variant (1).
Genome position (GRCh38, 1-based): chr6:405,045, G>A. VCF-style: chr6-405045-G-A. GRCh37 (hg19) VCF-style: chr6-405045-G-A.
Other names: c.1127G>A (NM_002460.3); c.1124G>A, p.Arg375His (NM_001195286.2); short protein forms R375H, R376H.
Identifiers: ClinVar variation 1484501 (VCV001484501.7), dbSNP rs377483798, ClinGen allele CA3612891.

ClinVar aggregate classification (germline): Uncertain significance. Review status: criteria provided, multiple submitters, no conflicts (2 of 4 stars). 2 submissions from 2 submitters: Uncertain significance (2). Last evaluated 2025-05-11.

Conditions:
IRF4-related disorder. Also called: IRF4-related condition.

Allele frequency attached by ClinVar (database versions not stated): ESP Exome Variant Server 0.00008.
gnomAD v4.1: 69 of 1,613,518 alleles (0.0043%); highest among the groups gnomAD compares: Non-Finnish European, 0.0053%; no homozygotes.

Submissions (2):

Labcorp Genetics (formerly Invitae), Labcorp
Classification: Uncertain significance. Last evaluated: 2025-05-11. Review status: criteria provided, single submitter. Criteria: Invitae Variant Classification Sherloc (09022015). Collection method: clinical testing. Allele origin: germline.
Comment: This sequence change replaces arginine, which is basic and polar, with histidine, which is basic and polar, at codon 376 of the IRF4 protein (p.Arg376His). This variant is present in population databases (rs377483798, gnomAD 0.009%). This variant has not been reported in the literature in individuals affected with IRF4-related conditions. ClinVar contains an entry for this variant (Variation ID: 1484501). An algorithm developed to predict the effect of missense changes on protein structure and function (PolyPhen-2) suggests that this variant is likely to be disruptive. In summary, the available evidence is currently insufficient to determine the role of this variant in disease. Therefore, it has been classified as a Variant of Uncertain Significance.

PreventionGenetics, part of Exact Sciences
Classification: Uncertain significance for IRF4-related condition. Last evaluated: 2022-10-17. Review status: criteria provided, single submitter. Criteria: ACMG Guidelines, 2015. Collection method: clinical testing. Allele origin: germline.
Comment: The IRF4 c.1127G>A variant is predicted to result in the amino acid substitution p.Arg376His. To our knowledge, this variant has not been reported in the literature. This variant is reported in 0.0088% of alleles in individuals of European (Non-Finnish) descent in gnomAD. At this time, the clinical significance of this variant is uncertain due to the absence of conclusive functional and genetic evidence.